The following is an entry in ClinVar:

NM_006231.4(POLE):c.4519_4520del (p.Gln1507fs)

Gene: POLE (DNA polymerase epsilon, catalytic subunit; minus strand). Cytogenetic location: 12q24.33.
Variant type: Microsatellite.
Coding change: c.4519_4520del on transcript NM_006231.4 (MANE Select); coding-DNA positions 4519 to 4520, 2 bases deleted (CA; older notation c.4519_4520delCA).
Protein change: p.Gln1507fs; shifts the reading frame from glutamine 1507.
Molecular consequence: frameshift variant.
Genome position (GRCh38, 1-based): chr12:132,643,255-132,643,256, TG deleted on the plus strand (CA on the coding strand, the reverse complement: POLE is on the minus strand); deleting any 2 consecutive bases within chr12:132,643,255-132,643,258 gives the same sequence; the c. name uses the placement nearest the transcript's 3' end. VCF-style (leftmost placement, unchanged base first): chr12-132643254-CTG-C. GRCh37 (hg19) VCF-style: chr12-133219840-CTG-C.
Other names: c.4519_4520delCA (NM_006231.2); c.4517_4518CA[1], p.Gln1507Alafs (NM_006231.3); c.4519_4520del (NM_006231.3); short protein forms Q1507fs.
Identifiers: ClinVar variation 2443222 (VCV002443222.4), dbSNP rs2541889602, ClinGen allele CA2580614600.
Genomic context (GRCh38, chr12:132,643,254, plus strand): 5'-ATGTGCTGCCATGGAGGGCCCAGGACTCACAGTGTCCAGCACAAAGACGGATGCCCTGCG[CTG>C]TGAGGGGATGAAGATCCCGAAGAGCGCTTTGTGGGCCTGTGCGTGGTGGTACAGGTAGAT-3'

ClinVar aggregate classification (germline): Conflicting classifications of pathogenicity. Review status: criteria provided, conflicting classifications (1 of 4 stars). 3 submissions from 3 submitters: Pathogenic (1); Uncertain significance (1). 1 of the submissions does not count toward it. Last evaluated 2025-07-29.

Conditions:
Hereditary cancer-predisposing syndrome. Also called: Neoplastic Syndromes, Hereditary; Hereditary Cancer Syndrome; Tumor predisposition; Hereditary neoplastic syndrome. Identifiers: Orphanet 140162, MedGen C0027672, MeSH D009386, MONDO:0015356.

Submissions (3):

Labcorp Genetics (formerly Invitae), Labcorp
Classification: Pathogenic. Last evaluated: 2025-07-29. Review status: criteria provided, single submitter. Criteria: Invitae Variant Classification Sherloc (09022015). Collection method: clinical testing. Allele origin: germline.
Comment: This sequence change creates a premature translational stop signal (p.Gln1507Alafs*37) in the POLE gene. It is expected to result in an absent or disrupted protein product. Loss-of-function variants in POLE are known to be pathogenic (PMID: 23230001, 25948378, 30503519). This variant is not present in population databases (gnomAD no frequency). This variant has not been reported in the literature in individuals affected with POLE-related conditions. ClinVar contains an entry for this variant (Variation ID: 2443222). For these reasons, this variant has been classified as Pathogenic.

Ambry Genetics
Classification: Uncertain significance for Hereditary cancer-predisposing syndrome. Last evaluated: 2025-04-01. Review status: criteria provided, single submitter. Criteria: Ambry Variant Classification Scheme 2023. Collection method: clinical testing. Allele origin: germline.
Comment: The c.4519_4520delCA variant, located in coding exon 35 of the POLE gene, results from a deletion of two nucleotides at nucleotide positions 4519 to 4520, causing a translational frameshift with a predicted alternate stop codon (p.Q1507Afs*37). This alteration is expected to result in loss of function by premature protein truncation or nonsense-mediated mRNA decay. Although biallelic loss of function of POLE has been associated with autosomal recessive POLE deficiency, haploinsufficiency of POLE has not been established as a mechanism of disease for POLE-related polymerase proofreading-associated polyposis (PPAP) and POLE-related CMMRD-like syndrome. Based on the supporting evidence, this variant is expected to be causative of POLE deficiency when present along with a second pathogenic variant on the other allele; however, its clinical significance for PPAP and POLE-related CMMRD-like syndrome is unclear.

Genetic Services Laboratory, University of Chicago
Classification: Uncertain significance. Last evaluated: 2022-04-06. Review status: no assertion criteria provided. Collection method: clinical testing. Allele origin: germline. Affected: no. Not counted in ClinVar's aggregate classification.
Comment: DNA sequence analysis of the POLE gene demonstrated a two base pair deletion in exon 35, c.4519_4520del. This sequence change results in an amino acid frameshift and creates a premature stop codon 37 amino acids downstream of the change, p.Gln1507Alafs*37. This sequence change is predicted to result in an abnormal transcript, which may be degraded, or may lead to the production of a truncated POLE protein with potentially abnormal function. This deletion does not appear to have been previously described in individuals with POLE-related disorders and has also not been described in population databases such as ExAC and gnomAD. The functional significance of this sequence change is not known at present and its contribution to this individual's disease phenotype cannot definitively be determined.

Literature cited by the submitters: PubMed 23230001 (cited by Labcorp Genetics (formerly Invitae), Labcorp); PubMed 25948378 (cited by Labcorp Genetics (formerly Invitae), Labcorp); PubMed 30503519 (cited by Labcorp Genetics (formerly Invitae), Labcorp).